The following is an entry in ClinVar:

NM_002474.3(MYH11):c.4135A>C (p.Lys1379Gln)

Genes: MYH11 (myosin heavy chain 11; minus strand), NDE1 (nudE neurodevelopment protein 1; plus strand). Cytogenetic location: 16p13.11.
Variant type: single nucleotide variant.
Coding change: c.4135A>C on transcript NM_002474.3 (MANE Select); coding-DNA position 4135, A replaced by C.
Protein change: p.Lys1379Gln; replaces lysine 1379 with glutamine.
Molecular consequence: missense variant. On other transcripts: 3 prime UTR variant (2).
Genome position (GRCh38, 1-based): chr16:15,724,391, T>G on the plus strand (A>C on the coding strand, the complement: MYH11 is on the minus strand). VCF-style: chr16-15724391-T-G. GRCh37 (hg19) VCF-style: chr16-15818248-T-G.
Other names: c.*140T>G (NM_001143979.2, NM_017668.3); c.4135A>C, p.Lys1379Gln (NM_022844.3); c.4156A>C, p.Lys1386Gln (NM_001040113.2, NM_001040114.2); short protein forms K1379Q, K1386Q.
Identifiers: ClinVar variation 263874 (VCV000263874.7), dbSNP rs753312858, ClinGen allele CA7921751.
Genomic context (GRCh38, chr16:15,724,391, plus strand): 5'-TCTGGAACCTCTTCTTCCCCTCTTCCAGAGCTTCCACGGTGCTGGCAAAGTCCTGCAGCT[T>G]CTTCTTCGAGTCGGAGAGCTACAAGGACAGCGTCCAGGGTAGGGTGAGAGGGGGACCATG-3'
Protein context (NP_002465.1, residues 1369-1389): LNIQLSDSKK[Lys1379Gln]LQDFASTVEA

ClinVar aggregate classification (germline): Uncertain significance. Review status: criteria provided, multiple submitters, no conflicts (2 of 4 stars). 4 submissions from 4 submitters: Uncertain significance (4). Last evaluated 2025-12-17.

Conditions:
Cardiovascular phenotype. Identifiers: MedGen CN230736.
Familial thoracic aortic aneurysm and aortic dissection (TAAD). Also called: Thoracic aortic aneurysms and dissections. Identifiers: Orphanet 91387, MedGen C4707243, MONDO:0019625.
Aortic aneurysm, familial thoracic 4 (AAT4). Also called: AORTIC ANEURYSM/AORTIC DISSECTION AND PATENT DUCTUS ARTERIOSUS. Identifiers: MedGen C1851504, MONDO:0007568, OMIM 132900.

Allele frequency attached by ClinVar (database versions not stated): TOPMed below 0.00001; gnomAD exomes 0.00002; ExAC 0.00002; gnomAD 0.00001.
gnomAD v4.1: 10 of 1,613,844 alleles (0.00062%); highest among the groups gnomAD compares: Admixed American, 0.0017%; no homozygotes.

Submissions (4):

Labcorp Genetics (formerly Invitae), Labcorp
Classification: Uncertain significance for Aortic aneurysm, familial thoracic 4. Last evaluated: 2025-12-17. Review status: criteria provided, single submitter. Criteria: Invitae Variant Classification Sherloc (09022015). Collection method: clinical testing. Allele origin: germline.
Comment: This sequence change replaces lysine, which is basic and polar, with glutamine, which is neutral and polar, at codon 1386 of the MYH11 protein (p.Lys1386Gln). This variant is present in population databases (rs753312858, gnomAD 0.01%). This variant has not been reported in the literature in individuals affected with MYH11-related conditions. ClinVar contains an entry for this variant (Variation ID: 263874). Invitae Evidence Modeling of protein sequence and biophysical properties (such as structural, functional, and spatial information, amino acid conservation, physicochemical variation, residue mobility, and thermodynamic stability) indicates that this missense variant is not expected to disrupt MYH11 protein function with a negative predictive value of 95%. In summary, the available evidence is currently insufficient to determine the role of this variant in disease. Therefore, it has been classified as a Variant of Uncertain Significance.

Color Diagnostics, LLC DBA Color Health
Classification: Uncertain significance for Familial thoracic aortic aneurysm and aortic dissection. Last evaluated: 2025-06-09. Review status: criteria provided, single submitter. Criteria: ACMG Guidelines, 2015. Collection method: clinical testing. Allele origin: germline.
Comment: This missense variant replaces lysine with glutamine at codon 1386 of the MYH11 protein. Computational prediction suggests that this variant may have deleterious impact on protein structure and function. To our knowledge, functional studies have not been reported for this variant. This variant has not been reported in individuals affected with MYH11-related disorders in the literature. This variant has been identified in 5/250608 chromosomes in the general population by the Genome Aggregation Database (gnomAD). The available evidence is insufficient to determine the role of this variant in disease conclusively. Therefore, this variant is classified as a Variant of Uncertain Significance.

All of Us Research Program, National Institutes of Health
Classification: Uncertain significance for Familial thoracic aortic aneurysm and aortic dissection. Last evaluated: 2023-05-04. Review status: criteria provided, single submitter. Criteria: ACMG Guidelines, 2015. Collection method: clinical testing. Allele origin: germline. Inheritance: Autosomal dominant inheritance. Observed: 1 variant allele, 1 heterozygote.
Comment: This missense variant replaces lysine with glutamine at codon 1386 of the MYH11 protein. Computational prediction suggests that this variant may have deleterious impact on protein structure and function (internally defined REVEL score threshold >= 0.7, PMID: 27666373). To our knowledge, functional studies have not been reported for this variant. This variant has not been reported in individuals affected with MYH11-related disorders in the literature. This variant has been identified in 5/250608 chromosomes in the general population by the Genome Aggregation Database (gnomAD). The available evidence is insufficient to determine the role of this variant in disease conclusively. Therefore, this variant is classified as a Variant of Uncertain Significance.

This study involves interpretation of variants in research participants for the purpose of population health screening. Participant phenotype was not available at the time of variant classification. Additional details can be found in publication PMID: 35346344, PMCID: PMC8962531

Ambry Genetics
Classification: Uncertain significance for Cardiovascular phenotype. Last evaluated: 2015-09-22. Review status: criteria provided, single submitter. Criteria: Ambry Autosomal Dominant and X-Linked criteria (10/2015). Collection method: clinical testing. Allele origin: germline. Observed: 1 variant allele.
Comment: The p.K1379Q variant (also known as c.4135A>C), located in coding exon 30 of the MYH11 gene, results from an A to C substitution at nucleotide position 4135. The lysine at codon 1379 is replaced by glutamine, an amino acid with similar properties. This variant was not reported in population based cohorts in the following databases: Database of Single Nucleotide Polymorphisms (dbSNP), NHLBI Exome Sequencing Project (ESP), and 1000 Genomes Project. In the ESP, this variant was not observed in 6497 samples (12994 alleles) with coverage at this position. In addition, this alteration is predicted to be tolerated by in silico analysis.Since supporting evidence is limited at this time, the clinical significance of this variant remains unclear.